The following is an entry in ClinVar:

ClinVar aggregate classification (germline): Uncertain significance. Review status: criteria provided, multiple submitters, no conflicts (2 of 4 stars). 3 submissions from 3 submitters: Uncertain significance (2). 1 of the submissions does not count toward it. Last evaluated 2022-08-05.

Conditions:
Usher syndrome type 2A. Also called: USHER SYNDROME, TYPE IIA; RETINAL DISEASE IN USHER SYNDROME TYPE IIA, MODIFIER OF. Identifiers: Orphanet 231178, Orphanet 886, MedGen C1848634, MONDO:0010169, OMIM 276901.

Allele frequency attached by ClinVar (database versions not stated): gnomAD 0.00001; ExAC 0.00002; TOPMed 0.00002.
gnomAD v4.1: 10 of 1,613,682 alleles (0.00062%); highest among the groups gnomAD compares: Admixed American, 0.017%; no homozygotes.

Submissions (3):

Blueprint Genetics
Classification: Uncertain significance. Last evaluated: 2022-08-05. Review status: criteria provided, single submitter. Criteria: ACMG Guidelines, 2015. Collection method: clinical testing. Allele origin: germline.

Labcorp Genetics (formerly Invitae), Labcorp
Classification: Uncertain significance. Last evaluated: 2022-07-12. Review status: criteria provided, single submitter. Criteria: Invitae Variant Classification Sherloc (09022015). Collection method: clinical testing. Allele origin: germline.
Comment: This sequence change replaces cysteine, which is neutral and slightly polar, with tyrosine, which is neutral and polar, at codon 3399 of the USH2A protein (p.Cys3399Tyr). This variant is present in population databases (rs765920408, gnomAD 0.02%). This variant has not been reported in the literature in individuals affected with USH2A-related conditions. ClinVar contains an entry for this variant (Variation ID: 990781). Algorithms developed to predict the effect of missense changes on protein structure and function are either unavailable or do not agree on the potential impact of this missense change (SIFT: "Deleterious"; PolyPhen-2: "Benign"; Align-GVGD: "Class C65"). In summary, the available evidence is currently insufficient to determine the role of this variant in disease. Therefore, it has been classified as a Variant of Uncertain Significance.

Natera, Inc.
Classification: Uncertain significance for Usher syndrome type 2A. Last evaluated: 2020-08-25. Review status: no assertion criteria provided. Collection method: clinical testing. Allele origin: germline. Not counted in ClinVar's aggregate classification.

NM_206933.4(USH2A):c.10196G>A (p.Cys3399Tyr)

Gene: USH2A (usherin; minus strand). Cytogenetic location: 1q41.
Variant type: single nucleotide variant.
Coding change: c.10196G>A on transcript NM_206933.4 (MANE Select); coding-DNA position 10196, G replaced by A.
Protein change: p.Cys3399Tyr; replaces cysteine 3399 with tyrosine.
Molecular consequence: missense variant.
Genome position (GRCh38, 1-based): chr1:215,786,861, C>T on the plus strand (G>A on the coding strand, the complement: USH2A is on the minus strand). VCF-style: chr1-215786861-C-T. GRCh37 (hg19) VCF-style: chr1-215960203-C-T.
Other names: short protein forms C3399Y.
Identifiers: ClinVar variation 990781 (VCV000990781.5), dbSNP rs765920408, ClinGen allele CA1394099.